The following is an entry in ClinVar:

ClinVar aggregate classification (germline): Conflicting classifications of pathogenicity. Review status: criteria provided, conflicting classifications (1 of 4 stars). 5 submissions from 5 submitters: Likely pathogenic (1); Uncertain significance (4). Last evaluated 2026-03-24.

Conditions:
Cardiovascular phenotype. Identifiers: MedGen CN230736.
RASopathy. Also called: rasopathies; Noonan spectrum disorder. Identifiers: Orphanet 536391, MedGen C5555857, MONDO:0021060.

Allele frequency attached by ClinVar (database versions not stated): gnomAD exomes below 0.00001; TOPMed below 0.00001.

Submissions (5):

Ambry Genetics
Classification: Likely pathogenic for Cardiovascular phenotype. Last evaluated: 2026-03-24. Review status: criteria provided, single submitter. Criteria: Ambry Variant Classification Scheme 2023. Collection method: clinical testing. Allele origin: germline.
Comment: The c.1096-7A>G intronic variant consists of an A to G substitution 7 nucleotides before exon 8 (coding exon 8) of the CBL gene. This variant was not reported in population-based cohorts in the Genome Aggregation Database (gnomAD). This variant was determined to be de novo in at least one individual with features consistent with CBL-related RASopathy (external communication). This nucleotide position is well conserved in available vertebrate species. Based on internal structural analysis, this variant is anticipated to disrupt a region of known function (Ambry internal data). RNA studies have demonstrated that this variant results in abnormal splicing in the set of samples tested (Ambry internal data). In silico splice site analysis predicts that this alteration will weaken the native splice acceptor site and will result in the creation or strengthening of a novel splice acceptor site. Based on the available evidence, this alteration is classified as likely pathogenic.

GeneDx
Classification: Uncertain significance. Last evaluated: 2025-11-22. Review status: criteria provided, single submitter. Criteria: GeneDx Variant Classification Process June 2021. Collection method: clinical testing. Allele origin: germline. Affected: yes.
Comment: Not observed at significant frequency in large population cohorts (gnomAD); In silico analysis supports a deleterious effect on splicing; Predicted loss-of-function variant in a gene in which most reported pathogenic variants are gain-of-function; Has not been previously published as pathogenic or benign to our knowledge.

Labcorp Genetics (formerly Invitae), Labcorp
Classification: Uncertain significance for RASopathy. Last evaluated: 2021-05-20. Review status: criteria provided, single submitter. Criteria: Invitae Variant Classification Sherloc (09022015). Collection method: clinical testing. Allele origin: germline.
Comment: In summary, the available evidence is currently insufficient to determine the role of this variant in disease. Therefore, it has been classified as a Variant of Uncertain Significance. Algorithms developed to predict the effect of sequence changes on RNA splicing suggest that this variant may disrupt the consensus splice site, but this prediction has not been confirmed by published transcriptional studies. This variant has not been reported in the literature in individuals with CBL-related conditions. ClinVar contains an entry for this variant (Variation ID: 372758). This variant is not present in population databases (ExAC no frequency). This sequence change falls in intron 7 of the CBL gene. It does not directly change the encoded amino acid sequence of the CBL protein.

CeGaT Center for Human Genetics Tuebingen
Classification: Uncertain significance. Last evaluated: 2021-03-01. Review status: criteria provided, single submitter. Criteria: CeGaT Center For Human Genetics Tuebingen Variant Classification Criteria Version 2. Collection method: clinical testing. Allele origin: germline. Affected: yes. Observed: 1 variant allele.

Blueprint Genetics
Classification: Uncertain significance. Last evaluated: 2020-07-02. Review status: criteria provided, single submitter. Criteria: ACMG Guidelines, 2015. Collection method: clinical testing. Allele origin: germline.

Literature cited by the submitters: PubMed 22266821 (cited by Ambry Genetics).

NM_005188.4(CBL):c.1096-7A>G

Gene: CBL (Cbl proto-oncogene; plus strand). Cytogenetic location: 11q23.3.
Variant type: single nucleotide variant.
Coding change: c.1096-7A>G on transcript NM_005188.4 (MANE Select); 7 bases into the intron before coding-DNA position 1096, A replaced by G.
Molecular consequence: intron variant.
Genome position (GRCh38, 1-based): chr11:119,278,159, A>G. VCF-style: chr11-119278159-A-G. GRCh37 (hg19) VCF-style: chr11-119148869-A-G.
Identifiers: ClinVar variation 372758 (VCV000372758.52), dbSNP rs1057517968, ClinGen allele CA16042732.
Genomic context (GRCh38, chr11:119,278,159, plus strand): 5'-TTCTGTTAACATTTATAATTGCAGTTATTTATTCAACTAATAGTCTTTTAATTTTTTTTA[A>G]TCAAAGGAACAATATGAATTATACTGTGAGATGGGCTCCACATTCCAACTATGTAAAATA-3'